The following is an entry in ClinVar:

ClinVar aggregate classification (germline): Uncertain significance (1 of 4 stars; one submission).

Conditions:
Inborn genetic diseases. Identifiers: MedGen C0950123, MeSH D030342.

Submission:

Ambry Genetics
Classification: Uncertain significance for Inborn genetic diseases. Last evaluated: 2021-03-22. Review status: criteria provided, single submitter. Criteria: Ambry Variant Classification Scheme 2023. Collection method: clinical testing. Allele origin: germline.
Comment: The c.2946G>T (p.E982D) alteration is located in exon 12 (coding exon 11) of the SETD1A gene. This alteration results from a G to T substitution at nucleotide position 2946, causing the glutamic acid (E) at amino acid position 982 to be replaced by an aspartic acid (D). The p.E982D alteration is predicted to be tolerated by in silico analysis. Based on insufficient or conflicting evidence, the clinical significance of this alteration remains unclear.

NM_014712.3(SETD1A):c.2946G>T (p.Glu982Asp)

Gene: SETD1A (SET domain containing 1A, histone lysine methyltransferase; plus strand). Cytogenetic location: 16p11.2.
Variant type: single nucleotide variant.
Coding change: c.2946G>T on transcript NM_014712.3 (MANE Select); coding-DNA position 2946, G replaced by T.
Protein change: p.Glu982Asp; replaces glutamic acid 982 with aspartic acid.
Molecular consequence: missense variant.
Genome position (GRCh38, 1-based): chr16:30,969,619, G>T. VCF-style: chr16-30969619-G-T. GRCh37 (hg19) VCF-style: chr16-30980940-G-T.
Other names: short protein forms E982D.
Identifiers: ClinVar variation 2229549 (VCV002229549.2), dbSNP rs756517539, ClinGen allele CA395622299.
Genomic context (GRCh38, chr16:30,969,619, plus strand): 5'-GTTGTCCCCTTCCTGTTAGTCCTCATTTGTCTTTTTTCTTAAGGATGAGGAGGATGACGA[G>T]GAAGATGAGGAAGATGAAGATCGAGAGGAAGCTGTGGATACCACAAAGAAGGAGACAGAG-3'
Protein context (NP_055527.1, residues 972-992): SSSEKDEEDD[Glu982Asp]EDEEDEDREE